The following is an entry in ClinVar:

NM_013447.4(ADGRE2):c.584G>A (p.Trp195Ter)

Gene: ADGRE2 (adhesion G protein-coupled receptor E2; minus strand). Cytogenetic location: 19p13.12.
Variant type: single nucleotide variant.
Coding change: c.584G>A on transcript NM_013447.4 (MANE Select); coding-DNA position 584, G replaced by A.
Protein change: p.Trp195Ter; replaces tryptophan 195 with a stop codon.
Molecular consequence: nonsense.
Genome position (GRCh38, 1-based): chr19:14,766,285, C>T on the plus strand (G>A on the coding strand, the complement: ADGRE2 is on the minus strand). VCF-style: chr19-14766285-C-T. GRCh37 (hg19) VCF-style: chr19-14877097-C-T.
Other names: c.584G>A, p.Trp195Ter (NM_001271052.1); short protein forms W195*.
Identifiers: ClinVar variation 1685991 (VCV001685991.3), dbSNP rs752508886, ClinGen allele CA9258074.
Genomic context (GRCh38, chr19:14,766,285, plus strand): 5'-AGCTCTCGACCTTCACAGACGGTATTGTTTGGGCCATTGGGGGACCCCGGAATCGGTTGC[C>T]AGCCCGGGCGGCAGCGGCACTGATAGCTGCCCACGTTGTTGAGGCAGTGGGTGGAGCTGT-3'

ClinVar aggregate classification (germline): Conflicting classifications of pathogenicity. Review status: criteria provided, conflicting classifications (1 of 4 stars). 2 submissions from 2 submitters: Uncertain significance (1); Benign (1). Last evaluated 2025-11-13.

Conditions:
Autosomal dominant vibratory urticaria. Identifiers: Orphanet 493342, MedGen CN313132, MONDO:0007447.

Allele frequency attached by ClinVar (database versions not stated): gnomAD 0.00009 and 0.00010; ExAC 0.00014; TOPMed 0.00017; gnomAD exomes 0.00021.

Submissions (2):

Dasa
Classification: Uncertain significance for Autosomal dominant vibratory urticaria. Last evaluated: 2025-11-13. Review status: criteria provided, single submitter. Criteria: DASA Assertion Criteria. Collection method: clinical testing. Allele origin: germline.
Comment: NM_013447.4(ADGRE2):c.584G>A (p.Trp195*) is a nonsense variant in ADGRE2 predicted to introduce a premature termination codon. This variant is rare in population databases. The currently available literature and clinical evidence are not sufficient to establish a definitive association between this variant and the reported condition. Therefore, this variant is classified as a variant of uncertain significance.

Mendelics
Classification: Benign. Last evaluated: 2022-05-04. Review status: criteria provided, single submitter. Criteria: Mendelics Assertion Criteria 2019. Collection method: clinical testing. Allele origin: germline.